The following is an entry in ClinVar:

NM_147127.5(EVC2):c.3168dup (p.Ile1057fs)

Gene: EVC2 (EvC ciliary complex subunit 2; minus strand). Cytogenetic location: 4p16.2.
Variant type: Duplication.
Coding change: c.3168dup on transcript NM_147127.5 (MANE Select); coding-DNA position 3168, one base duplicated (G; older notation c.3168dupG).
Protein change: p.Ile1057fs; shifts the reading frame from isoleucine 1057.
Molecular consequence: frameshift variant.
Genome position (GRCh38, 1-based): chr4:5,576,344, C duplicated on the plus strand (G on the coding strand, the reverse complement: EVC2 is on the minus strand); the first of 3 consecutive C bases (chr4:5,576,344-5,576,346); duplicating any one gives the same sequence. VCF-style (leftmost placement, unchanged base first): chr4-5576343-T-TC. GRCh37 (hg19) VCF-style: chr4-5578070-T-TC.
Other names: c.2928dup, p.Ile977fs (NM_001166136.2); short protein forms I1057fs, I977fs.
Identifiers: ClinVar variation 5012242 (VCV005012242.1).

ClinVar aggregate classification (germline): Pathogenic (1 of 4 stars; one submission).

Conditions:
Ellis-van Creveld syndrome (EVC). Also called: MESOECTODERMAL DYSPLASIA; Chondroectodermal dysplasia. Identifiers: Orphanet 289, MedGen C0013903, MONDO:0009162, OMIM 225500.

Submission:

Myriad Genetics, Inc.
Classification: Pathogenic for Ellis-van Creveld syndrome. Last evaluated: 2023-09-27. Review status: criteria provided, single submitter. Criteria: Myriad Autosomal Dominant, Autosomal Recessive and X-Linked Classification Criteria (2023). Collection method: clinical testing. Allele origin: unknown.
Comment: NM_147127.4(EVC2):c.3168dupG(I1057Dfs*11) is expected to be pathogenic in the context of EVC2-related Ellis-van Creveld syndrome. This variant is predicted to lead to an abnormal or absent protein product due to the creation of a premature termination codon in EVC2, a gene where loss-of-function variants are known to be pathogenic. Please note: this variant was assessed in the context of healthy population screening.